The following is an entry in ClinVar:

ClinVar aggregate classification (germline): Likely benign. Review status: criteria provided, single submitter (1 of 4 stars). 2 submissions from 2 submitters: Likely benign (1). 1 of the submissions does not count toward it. Last evaluated 2018-09-08.

Conditions:
KY-related disorder. Also called: KY-related condition.

Allele frequency attached by ClinVar (database versions not stated): TOPMed 0.00012; ESP Exome Variant Server 0.00016; gnomAD exomes 0.00025 and 0.00055; gnomAD 0.00027 and 0.00028; ExAC 0.00048.
gnomAD v4.1: 447 of 1,613,752 alleles (0.028%); highest among the groups gnomAD compares: Non-Finnish European, 0.0078%; 2 homozygotes.

Submissions (2):

Labcorp Genetics (formerly Invitae), Labcorp
Classification: Likely benign. Last evaluated: 2018-09-08. Review status: criteria provided, single submitter. Criteria: Invitae Variant Classification Sherloc (09022015). Collection method: clinical testing. Allele origin: germline.

PreventionGenetics, part of Exact Sciences
Classification: Likely benign for KY-related condition. Last evaluated: 2024-09-11. Review status: no assertion criteria provided. Collection method: clinical testing. Allele origin: germline. Not counted in ClinVar's aggregate classification.
Comment: This variant is classified as likely benign based on ACMG/AMP sequence variant interpretation guidelines (Richards et al. 2015 PMID: 25741868, with internal and published modifications).

NM_178554.6(KY):c.1564G>A (p.Glu522Lys)

Genes: CEP63 (centrosomal protein 63; plus strand), KY (kyphoscoliosis peptidase; minus strand). Cytogenetic location: 3q22.2.
Variant type: single nucleotide variant.
Coding change: c.1564G>A on transcript NM_178554.6 (MANE Select); coding-DNA position 1564, G replaced by A.
Protein change: p.Glu522Lys; replaces glutamic acid 522 with lysine.
Molecular consequence: missense variant.
Genome position (GRCh38, 1-based): chr3:134,604,001, C>T on the plus strand (G>A on the coding strand, the complement: KY is on the minus strand). VCF-style: chr3-134604001-C-T. GRCh37 (hg19) VCF-style: chr3-134322843-C-T.
Other names: c.1516G>A, p.Glu506Lys (NM_001350859.2); c.1501G>A, p.Glu501Lys (NM_001366276.1); short protein forms E501K, E522K, E506K.
Identifiers: ClinVar variation 756244 (VCV000756244.4), dbSNP rs35026874, ClinGen allele CA2628966.